The following is an entry in ClinVar:

ClinVar aggregate classification (germline): Uncertain significance (1 of 4 stars; one submission).

Conditions:
Myoclonic dystonia 11 (DYT11). Also called: SGCE Myoclonus-Dystonia; Myoclonus-Dystonia; Myoclonic dystonia; Dystonia 11; Dystonia, alcohol responsive; Hereditary essential myoclonus. Identifiers: Orphanet 36899, MedGen C1834570, MONDO:0008044, OMIM 159900.

Allele frequency attached by ClinVar (database versions not stated): gnomAD exomes below 0.00001.
gnomAD v4.1: 3 of 1,610,864 alleles (0.00019%); highest among the groups gnomAD compares: South Asian, 0.0011%; no homozygotes.

Submission:

Baylor Genetics
Classification: Uncertain significance for Myoclonic dystonia 11. Last evaluated: 2020-08-05. Review status: criteria provided, single submitter. Criteria: ACMG Guidelines, 2015. Collection method: clinical testing. Allele origin: unknown. Affected: yes.
Comment: This variant was determined to be of uncertain significance according to ACMG Guidelines, 2015 [PMID:25741868].

NM_003919.3(SGCE):c.259T>C (p.Phe87Leu)

Genes: CASD1 (CAS1 domain sialic acid O acetyltransferase 1; plus strand), SGCE (sarcoglycan epsilon; minus strand). Cytogenetic location: 7q21.3.
Variant type: single nucleotide variant.
Coding change: c.259T>C on transcript NM_003919.3 (MANE Select); coding-DNA position 259, T replaced by C.
Protein change: p.Phe87Leu; replaces phenylalanine 87 with leucine.
Molecular consequence: missense variant. On other transcripts: 5 prime UTR variant (2).
Genome position (GRCh38, 1-based): chr7:94,628,333, A>G on the plus strand (T>C on the coding strand, the complement: SGCE is on the minus strand). VCF-style: chr7-94628333-A-G. GRCh37 (hg19) VCF-style: chr7-94257645-A-G.
Other names: c.259T>C, p.Phe87Leu (NM_001099400.2, NM_001099401.2, NM_001346717.2); c.136T>C, p.Phe46Leu (NM_001301139.2, NM_001362809.2); c.367T>C, p.Phe123Leu (NM_001346713.2, NM_001346715.2); c.172T>C, p.Phe58Leu (NM_001346719.2, NM_001362807.2); c.-15T>C (NM_001346720.2, NM_001362808.2); short protein forms F87L, F123L, F46L, F58L.
Identifiers: ClinVar variation 1028675 (VCV001028675.1), dbSNP rs1043859833, ClinGen allele CA162940401.